The following is an entry in ClinVar:

NM_025081.3(NYNRIN):c.5059C>T (p.Arg1687Trp)

Gene: NYNRIN (NYN domain and retroviral integrase containing; plus strand). Cytogenetic location: 14q12.
Variant type: single nucleotide variant.
Coding change: c.5059C>T on transcript NM_025081.3 (MANE Select); coding-DNA position 5059, C replaced by T.
Protein change: p.Arg1687Trp; replaces arginine 1687 with tryptophan.
Molecular consequence: missense variant.
Genome position (GRCh38, 1-based): chr14:24,416,808, C>T. VCF-style: chr14-24416808-C-T. GRCh37 (hg19) VCF-style: chr14-24886014-C-T.
Other names: short protein forms R1687W.
Identifiers: ClinVar variation 4737833 (VCV004737833.1).

ClinVar aggregate classification (germline): Uncertain significance (1 of 4 stars; one submission).

Submission:

Labcorp Genetics (formerly Invitae), Labcorp
Classification: Uncertain significance. Last evaluated: 2025-07-07. Review status: criteria provided, single submitter. Criteria: Invitae Variant Classification Sherloc (09022015). Collection method: clinical testing. Allele origin: germline.
Comment: This sequence change replaces arginine, which is basic and polar, with tryptophan, which is neutral and slightly polar, at codon 1687 of the NYNRIN protein (p.Arg1687Trp). This variant is present in population databases (rs528567243, gnomAD 0.02%). This variant has not been reported in the literature in individuals affected with NYNRIN-related conditions. Experimental studies and prediction algorithms are not available or were not evaluated, and the functional significance of this variant is currently unknown. In summary, the available evidence is currently insufficient to determine the role of this variant in disease. Therefore, it has been classified as a Variant of Uncertain Significance.